The following is an entry in ClinVar:

NM_031935.3(HMCN1):c.7814_7815delinsGA (p.Ala2605Gly)

Gene: HMCN1 (hemicentin 1; plus strand). Cytogenetic location: 1q31.1.
Variant type: Indel.
Coding change: c.7814_7815delinsGA on transcript NM_031935.3 (MANE Select); coding-DNA positions 7814 to 7815, CT replaced by GA.
Protein change: p.Ala2605Gly; replaces alanine 2605 with glycine.
Molecular consequence: missense variant.
Genome position (GRCh38, 1-based): chr1:186,067,942-186,067,943, CT replaced by GA. VCF-style: chr1-186067942-CT-GA. GRCh37 (hg19) VCF-style: chr1-186037074-CT-GA.
Other names: short protein forms A2605G.
Identifiers: ClinVar variation 4774100 (VCV004774100.1).

ClinVar aggregate classification (germline): Uncertain significance (1 of 4 stars; one submission).

Submission:

Labcorp Genetics (formerly Invitae), Labcorp
Classification: Uncertain significance. Last evaluated: 2026-01-23. Review status: criteria provided, single submitter. Criteria: Invitae Variant Classification Sherloc (09022015). Collection method: clinical testing. Allele origin: germline.
Comment: This sequence change replaces alanine, which is neutral and non-polar, with glycine, which is neutral and non-polar, at codon 2605 of the HMCN1 protein (p.Ala2605Gly). Information on the frequency of this variant in the gnomAD database is not available, as this variant may be reported differently in the database. This variant has not been reported in the literature in individuals affected with HMCN1-related conditions. An algorithm developed to predict the effect of missense changes on protein structure and function (PolyPhen-2) suggests that this variant is likely to be disruptive. In summary, the available evidence is currently insufficient to determine the role of this variant in disease. Therefore, it has been classified as a Variant of Uncertain Significance.